The following is an entry in ClinVar:

ClinVar aggregate classification (germline): Uncertain significance (1 of 4 stars; one submission).

Allele frequency attached by ClinVar (database versions not stated): gnomAD 0.00002; TOPMed 0.00004.
gnomAD v4.1: 7 of 1,614,052 alleles (0.00043%); highest among the groups gnomAD compares: African/African-American, 0.004%; no homozygotes.

Submission:

Labcorp Genetics (formerly Invitae), Labcorp
Classification: Uncertain significance. Last evaluated: 2022-08-28. Review status: criteria provided, single submitter. Criteria: Invitae Variant Classification Sherloc (09022015). Collection method: clinical testing. Allele origin: germline.
Comment: In summary, the available evidence is currently insufficient to determine the role of this variant in disease. Therefore, it has been classified as a Variant of Uncertain Significance. Algorithms developed to predict the effect of missense changes on protein structure and function (SIFT, PolyPhen-2, Align-GVGD) all suggest that this variant is likely to be tolerated. This variant has not been reported in the literature in individuals affected with CSF2RB-related conditions. This variant is present in population databases (no rsID available, gnomAD 0.007%). This sequence change replaces leucine, which is neutral and non-polar, with isoleucine, which is neutral and non-polar, at codon 123 of the CSF2RB protein (p.Leu123Ile).

NM_000395.3(CSF2RB):c.367C>A (p.Leu123Ile)

Genes: CSF2RB (colony stimulating factor 2 receptor subunit beta; plus strand), LOC126863140 (BRD4-independent group 4 enhancer GRCh37_chr22:37321546-37322745; plus strand). Cytogenetic location: 22q12.3.
Variant type: single nucleotide variant.
Coding change: c.367C>A on transcript NM_000395.3 (MANE Select); coding-DNA position 367, C replaced by A.
Protein change: p.Leu123Ile; replaces leucine 123 with isoleucine.
Molecular consequence: missense variant.
Genome position (GRCh38, 1-based): chr22:36,926,153, C>A. VCF-style: chr22-36926153-C-A. GRCh37 (hg19) VCF-style: chr22-37322195-C-A.
Other names: c.367C>A, p.Leu123Ile (NM_001410827.1); short protein forms L123I.
Identifiers: ClinVar variation 2167583 (VCV002167583.4), dbSNP rs761508909, ClinGen allele CA323989002.
Genomic context (GRCh38, chr22:36,926,153, plus strand): 5'-TTTGTCGTCACTGACGTTGACTACTTCTCATTCCAACCAGACAGGCCTCTGGGCACCCGG[C>A]TCACCGTCACTCTGACCCAGCATGGTGAGGGGCTGGGGGCCCTGCCCGGGGCTTGGTTTC-3'
Protein context (NP_000386.1, residues 113-133): FQPDRPLGTR[Leu123Ile]TVTLTQHVQP